The following is an entry in ClinVar:

NM_006269.2(RP1):c.5377C>T (p.Pro1793Ser)

Genes: RP1 (RP1 axonemal microtubule associated; plus strand), LOC126860392 (CDK7 strongly-dependent group 2 enhancer GRCh37_chr8:55541319-55542518; plus strand). Cytogenetic location: 8q12.1.
Variant type: single nucleotide variant.
Coding change: c.5377C>T on transcript NM_006269.2 (MANE Select); coding-DNA position 5377, C replaced by T.
Protein change: p.Pro1793Ser; replaces proline 1793 with serine.
Molecular consequence: missense variant.
Genome position (GRCh38, 1-based): chr8:54,629,259, C>T. VCF-style: chr8-54629259-C-T. GRCh37 (hg19) VCF-style: chr8-55541819-C-T.
Other names: short protein forms P1793S.
Identifiers: ClinVar variation 624326 (VCV000624326.59), dbSNP rs143088423, ClinGen allele CA4752056.
Genomic context (GRCh38, chr8:54,629,259, plus strand): 5'-GACACCCTACTTGATAATAACAGCAGTGAGGTACCATATTCACATTTTGGTAATTTGGCC[C>T]CAGGCCCAACGATGGATGAACTCTCCTCTTCAGAACTCGAGGAACTGACTCAACCCCTTG-3'
Protein context (NP_006260.1, residues 1783-1803): VPYSHFGNLA[Pro1793Ser]GPTMDELSSS

ClinVar aggregate classification (germline): Benign/Likely benign. Review status: criteria provided, multiple submitters, no conflicts (2 of 4 stars). 7 submissions from 7 submitters: Benign (3); Likely benign (2). 2 of the submissions do not count toward it. Last evaluated 2026-02-18.

Conditions:
RP1-related disorder. Also called: RP1-related condition.
Retinitis pigmentosa (RP). Identifiers: Orphanet 791, MedGen C0035334, MeSH D012174, MONDO:0019200, OMIM 268000. Inheritance: Autosomal dominant, autosomal recessive and X linked inheritance.

Allele frequency attached by ClinVar (database versions not stated): ESP Exome Variant Server 0.00062; gnomAD 0.00086 and 0.00108; 1000 Genomes Project 0.00100; TOPMed 0.00109; gnomAD exomes 0.00115 and 0.00200; 1000 Genomes Project 30x 0.00125; ExAC 0.00172.
gnomAD v4.1: 1,906 of 1,613,764 alleles (0.12%); highest among the groups gnomAD compares: South Asian, 0.6%; 16 homozygotes.

Submissions (7):

PreventionGenetics, part of Exact Sciences
Classification: Benign for RP1-related condition. Last evaluated: 2026-02-18. Review status: criteria provided, single submitter. Criteria: ACMG Guidelines, 2015. Collection method: clinical testing. Allele origin: germline.
Comment: This variant is classified as benign based on ACMG/AMP sequence variant interpretation guidelines (Richards et al. 2015 PMID: 25741868, with internal and published modifications).

Labcorp Genetics (formerly Invitae), Labcorp
Classification: Benign. Last evaluated: 2026-01-14. Review status: criteria provided, single submitter. Criteria: Invitae Variant Classification Sherloc (09022015). Collection method: clinical testing. Allele origin: germline.

CeGaT Center for Human Genetics Tuebingen
Classification: Likely benign. Last evaluated: 2018-04-01. Review status: criteria provided, single submitter. Criteria: CeGaT Center For Human Genetics Tuebingen Variant Classification Criteria Version 2. Collection method: clinical testing. Allele origin: germline. Affected: yes. Observed: 1 variant allele.

Illumina Laboratory Services, Illumina
Classification: Benign for Retinitis pigmentosa. Last evaluated: 2017-05-12. Review status: criteria provided, single submitter. Criteria: ICSL Variant Classification Criteria 13 December 2019. Collection method: clinical testing. Allele origin: germline.
Comment: This variant was observed as part of a predisposition screen in an ostensibly healthy population. A literature search was performed for the gene, cDNA change, and amino acid change (where applicable). Publications were found based on this search. The evidence from the literature, in combination with allele frequency data from public databases where available, was sufficient to rule this variant out of causing disease. Therefore, this variant is classified as benign.

Breakthrough Genomics
Classification: Likely benign. Review status: criteria provided, single submitter. Criteria: ACMG Guidelines, 2015. Collection method: not provided. Allele origin: germline. Inheritance: Autosomal dominant inheritance. Affected: yes.

Clinical Genetics DNA and cytogenetics Diagnostics Lab, Erasmus MC, Erasmus Medical Center
Classification: Likely benign. Review status: no assertion criteria provided. Collection method: clinical testing. Allele origin: germline. Affected: yes. Study: VKGL Data-share Consensus. Not counted in ClinVar's aggregate classification.

Clinical Genetics, Academic Medical Center
Classification: Benign. Review status: no assertion criteria provided. Collection method: clinical testing. Allele origin: germline. Affected: yes. Study: VKGL Data-share Consensus. Not counted in ClinVar's aggregate classification.

Literature cited by the submitters: PubMed 22052604 (cited by Illumina Laboratory Services, Illumina); PubMed 11095597 (cited by Illumina Laboratory Services, Illumina); PubMed 11527933 (cited by Illumina Laboratory Services, Illumina).